The following is an entry in ClinVar:

ClinVar aggregate classification (germline): Uncertain significance (1 of 4 stars; one submission).

Conditions:
Intellectual disability-epilepsy-extrapyramidal syndrome (NEDHELS). Also called: Dyskinesia, seizures, and intellectual developmental disorder. Identifiers: Orphanet 468620, MedGen C4310683, MONDO:0014952, OMIM 617171.

Submission:

Neuberg Centre For Genomic Medicine, NCGM
Classification: Uncertain significance for Intellectual disability-epilepsy-extrapyramidal syndrome. Review status: criteria provided, single submitter. Criteria: ACMG Guidelines, 2015. Collection method: clinical testing. Allele origin: germline. Inheritance: Autosomal recessive inheritance. Affected: yes.
Comment: The missense variant p.E46Q in DEAF1 (NM_021008.4) has not been reported previously as a pathogenic variant nor as a benign variant, to our knowledge. The p.E46Q variant is novel (not in any individuals) in gnomAD Exomes and is novel (not in any individuals) in 1000 Genomes. The p.E46Q missense variant is predicted to be tolerated by both SIFT or PolyPhen2. The nucleotide c.136 in DEAF1 is not conserved according to a GERP++ and PhyloP analysis of 100 vertebrates. For these reasons, this variant has been classified as Uncertain Significance.

NM_021008.4(DEAF1):c.136G>C (p.Glu46Gln)

Gene: DEAF1 (DEAF1 transcription factor; minus strand). Cytogenetic location: 11p15.5.
Variant type: single nucleotide variant.
Coding change: c.136G>C on transcript NM_021008.4 (MANE Select); coding-DNA position 136, G replaced by C.
Protein change: p.Glu46Gln; replaces glutamic acid 46 with glutamine.
Molecular consequence: missense variant. On other transcripts: intron variant (1).
Genome position (GRCh38, 1-based): chr11:694,912, C>G on the plus strand (G>C on the coding strand, the complement: DEAF1 is on the minus strand). VCF-style: chr11-694912-C-G. GRCh37 (hg19) VCF-style: chr11-694912-C-G.
Other names: c.136G>C, p.Glu46Gln (NM_001293634.2); c.-437-3314G>C (NM_001367390.1); short protein forms E46Q.
Identifiers: ClinVar variation 2627539 (VCV002627539.1), dbSNP rs1389969543, ClinGen allele CA378939863.